The following is an entry in ClinVar:

ClinVar aggregate classification (germline): Pathogenic. Review status: reviewed by expert panel (3 of 4 stars). 3 submissions from 3 submitters: Pathogenic (1). 2 of the submissions do not count toward it. Last evaluated 2017-12-15.

Conditions:
Hereditary cancer-predisposing syndrome. Also called: Tumor predisposition; Hereditary Cancer Syndrome; Neoplastic Syndromes, Hereditary; Hereditary neoplastic syndrome. Identifiers: Orphanet 140162, MedGen C0027672, MeSH D009386, MONDO:0015356.
Breast-ovarian cancer, familial, susceptibility to, 2 (BROVCA2). Also called: BRCA2 Hereditary Breast and Ovarian Cancer. Identifiers: Orphanet 145, MedGen C2675520, MONDO:0012933, OMIM 612555. Disease mechanism: loss of function.

Submissions (3):

Evidence-based Network for the Interpretation of Germline Mutant Alleles (ENIGMA)
Classification: Pathogenic for Breast-ovarian cancer, familial, susceptibility to, 2. Last evaluated: 2017-12-15. Review status: reviewed by expert panel. Criteria: ENIGMA BRCA1/2 Classification Criteria (2017-06-29). Collection method: curation. Allele origin: germline. Study: ENIGMA.
Comment: Variant allele predicted to encode a truncated non-functional protein.

Ambry Genetics
Classification: Pathogenic for Hereditary cancer-predisposing syndrome. Last evaluated: 2025-06-25. Review status: criteria provided, single submitter. Criteria: Ambry Variant Classification Scheme 2023. Collection method: clinical testing. Allele origin: germline. Not counted in ClinVar's aggregate classification.
Comment: The c.81_83delAAGinsTAAGACT pathogenic mutation, located in coding exon 2 of the BRCA2 gene, results from the deletion of 3 nucleotides and insertion of 7 nucleotides causing a translational frameshift with a predicted alternate stop codon (p.S28Kfs*4). This variant is considered to be rare based on population cohorts in the Genome Aggregation Database (gnomAD). This alteration is expected to result in loss of function by premature protein truncation or nonsense-mediated mRNA decay. As such, this alteration is interpreted as a disease-causing mutation.

Quest Diagnostics Nichols Institute San Juan Capistrano
Classification: Pathogenic. Last evaluated: 2024-05-16. Review status: criteria provided, single submitter. Criteria: Quest Diagnostics criteria. Collection method: clinical testing. Allele origin: unknown. Not counted in ClinVar's aggregate classification.
Comment: The BRCA2 c.81_83delinsTAAGACT (p.Ser28Lysfs*4) variant alters the translational reading frame of the BRCA2 mRNA and causes the premature termination of BRCA2 protein synthesis. This variant has not been reported in individuals with BRCA2-related conditions in the published literature. This variant has not been reported in large, multi-ethnic general populations (Genome Aggregation Database). Based on the available information, this variant is classified as pathogenic.

Literature cited by the submitters: PubMed 26295337 (cited by Quest Diagnostics Nichols Institute San Juan Capistrano).

NM_000059.4(BRCA2):c.81_83delinsTAAGACT (p.Ser28fs)

Gene: BRCA2 (BRCA2 DNA repair associated; plus strand). Cytogenetic location: 13q13.1.
Variant type: Indel.
Coding change: c.81_83delinsTAAGACT on transcript NM_000059.4 (MANE Select); coding-DNA positions 81 to 83, AAG replaced by TAAGACT.
Protein change: p.Ser28fs; shifts the reading frame from serine 28.
Molecular consequence: frameshift variant. On other transcripts: 5 prime UTR variant (1), non-coding transcript variant (1).
Genome position (GRCh38, 1-based): chr13:32,319,090-32,319,092, AAG replaced by TAAGACT. VCF-style: chr13-32319090-AAG-TAAGACT. GRCh37 (hg19) VCF-style: chr13-32893227-AAG-TAAGACT.
Other names: c.81_83delinsTAAGACT, p.Ser28fs (NM_001406719.1, NM_001406720.1, NM_001406721.1 and 1 more transcripts); c.-289_-287delinsTAAGACT (NM_001406722.1); short protein forms S28fs.
Identifiers: ClinVar variation 252407 (VCV000252407.4), dbSNP rs879255300, ClinGen allele CA10585890.